The following is an entry in ClinVar:

ClinVar aggregate classification (germline): Conflicting classifications of pathogenicity. Review status: criteria provided, conflicting classifications (1 of 4 stars). 2 submissions from 2 submitters: Pathogenic (1); Uncertain significance (1). Last evaluated 2025-12-02.

Conditions:
MC4R-related disorder. Also called: MC4R-related condition.

Submissions (2):

PreventionGenetics, part of Exact Sciences
Classification: Pathogenic for MC4R-related condition. Last evaluated: 2025-12-02. Review status: criteria provided, single submitter. Criteria: ACMG Guidelines, 2015. Collection method: clinical testing. Allele origin: germline.
Comment: The MC4R c.907G>C variant is predicted to result in the amino acid substitution p.Ala303Pro. This variant has been reported heterozygous in four individuals with high body mass index of Pima Indian heritage living in Arizona (Thearle et al. 2012. PubMed ID: 22106157; Hohenadel et al. 2013. PubMed ID: 24276017). This variant is not present in a large population database, indicating it is rare. Functional studies have shown that this variant reduces MC4R activity and maximum response (Table 3, Thearle et al. 2012. PubMed ID: 22106157; Hohenadel et al. 2013. PubMed ID: 24276017; He et al. 2014. PubMed ID: 25332687). Of note, another variant impacting this same amino acid, c.907G>A (p.Ala303Thr), has been reported as pathogenic in multiple individuals with obesity (Ahituv et al. 2007. PubMed ID: 17357083; Calton et al. 2009. PubMed ID: 19091795; Tan et al. 2009. PubMed ID: 18801902). This variant is interpreted as pathogenic.

GeneDx
Classification: Uncertain significance. Last evaluated: 2023-06-07. Review status: criteria provided, single submitter. Criteria: GeneDx Variant Classification Process June 2021. Collection method: clinical testing. Allele origin: germline. Affected: yes.
Comment: Identified in individuals with increased body mass index from a large cohort of participants in a longitudinal health study, although additional clinical information was not provided (Thearle et al., 2012; Hohenadel et al., 2014); Published functional studies suggest a damaging effect with loss of function, although one study suggests this variant retains partial activity (He et al., 214; Hohenadel et al., 2014; Thearle et al., 2012); In silico analysis supports that this missense variant has a deleterious effect on protein structure/function; Not observed at significant frequency in large population cohorts (gnomAD); This variant is associated with the following publications: (PMID: 32640185, 22106157, 24276017, 25332687)

NM_005912.3(MC4R):c.907G>C (p.Ala303Pro)

Gene: MC4R (melanocortin 4 receptor; minus strand). Cytogenetic location: 18q21.32.
Variant type: single nucleotide variant.
Coding change: c.907G>C on transcript NM_005912.3 (MANE Select); coding-DNA position 907, G replaced by C.
Protein change: p.Ala303Pro; replaces alanine 303 with proline.
Molecular consequence: missense variant.
Genome position (GRCh38, 1-based): chr18:60,371,443, C>G on the plus strand (G>C on the coding strand, the complement: MC4R is on the minus strand). VCF-style: chr18-60371443-C-G. GRCh37 (hg19) VCF-style: chr18-58038676-C-G.
Other names: short protein forms A303P.
Identifiers: ClinVar variation 3340164 (VCV003340164.3).